The following is an entry in ClinVar:

NM_001367624.2(ZNF469):c.7611G>C (p.Glu2537Asp)

Gene: ZNF469 (zinc finger protein 469; plus strand). Cytogenetic location: 16q24.2.
Variant type: single nucleotide variant.
Coding change: c.7611G>C on transcript NM_001367624.2 (MANE Select); coding-DNA position 7611, G replaced by C.
Protein change: p.Glu2537Asp; replaces glutamic acid 2537 with aspartic acid.
Molecular consequence: missense variant.
Genome position (GRCh38, 1-based): chr16:88,435,081, G>C. VCF-style: chr16-88435081-G-C. GRCh37 (hg19) VCF-style: chr16-88501489-G-C.
Other names: NM_001127464.1:c.7527G>C; short protein forms E2537D.
Identifiers: ClinVar variation 432202 (VCV000432202.16), dbSNP rs199519673, ClinGen allele CA8225266.
Genomic context (GRCh38, chr16:88,435,081, plus strand): 5'-GCCCCTAGCCCAAAAGTGCCAGCCGCCCAGGAAGAAAAGCCACAGGGTGTCTGGGAAGGA[G>C]AGACCAAATCACTCACGGGGAGACCCCAGCCACGTCACCCAGCCACCGCCTGCCCAGGGC-3'
Protein context (NP_001354553.1, residues 2527-2547): RKKSHRVSGK[Glu2537Asp]RPNHSRGDPS

ClinVar aggregate classification (germline): Benign/Likely benign. Review status: criteria provided, multiple submitters, no conflicts (2 of 4 stars). 7 submissions from 7 submitters: Benign (3); Likely benign (4). Last evaluated 2026-09-01.

Conditions:
Cardiovascular phenotype. Identifiers: MedGen CN230736.
Brittle cornea syndrome 1 (BCS1). Also called: DYSGENESIS MESODERMALIS CORNEAE ET SCLERAE; Corneal fragility keratoglobus, blue sclerae AND joint hypermobility; CORNEAL FRAGILITY, KERATOGLOBUS, BLUE SCLERAE, JOINT HYPEREXTENSIBILITY; EDS6B; FRAGILITAS OCULI WITH JOINT HYPEREXTENSIBILITY. Identifiers: Orphanet 90354, MedGen C0268344, MONDO:0024543, OMIM 229200.

Allele frequency attached by ClinVar (database versions not stated): gnomAD exomes 0.00066; ExAC 0.00115; 1000 Genomes Project 0.00220; 1000 Genomes Project 30x 0.00250; gnomAD 0.00267 and 0.00279; ESP Exome Variant Server 0.00285; TOPMed 0.00331.
gnomAD v4.1: 835 of 1,550,410 alleles (0.054%); highest among the groups gnomAD compares: African/African-American, 1%; 3 homozygotes.

Submissions (7):

CeGaT Center for Human Genetics Tuebingen
Classification: Likely benign. Last evaluated: 2026-09-01. Review status: criteria provided, single submitter. Criteria: CeGaT Center For Human Genetics Tuebingen Variant Classification Criteria Version 2. Collection method: clinical testing. Allele origin: germline. Affected: yes. Observed: 1 variant allele.
Comment: ZNF469: BP4, BS1

Labcorp Genetics (formerly Invitae), Labcorp
Classification: Benign. Last evaluated: 2026-01-31. Review status: criteria provided, single submitter. Criteria: Invitae Variant Classification Sherloc (09022015). Collection method: clinical testing. Allele origin: germline.

Women's Health and Genetics/Laboratory Corporation of America, LabCorp
Classification: Benign. Last evaluated: 2025-11-25. Review status: criteria provided, single submitter. Criteria: LabCorp Variant Classification Summary - May 2015. Collection method: clinical testing. Allele origin: germline.
Comment: Variant summary: ZNF469 c.7611G>C (p.Glu2537Asp) results in a conservative amino acid change in the encoded protein sequence. Algorithms developed to predict the effect of missense changes on protein structure and function are either unavailable or do not agree on the potential impact of this missense change. The variant allele was found at a frequency of 0.00054 in 1543506 control chromosomes, predominantly at a frequency of 0.01 within the African or African-American subpopulation in the gnomAD database, including 3 homozygotes. The observed variant frequency within African or African-American control individuals in the gnomAD database exceeds the estimated maximal expected allele frequency for disease-causing variants in ZNF469. To our knowledge, no occurrence of c.7611G>C in individuals affected with ZNF469-related conditions and no experimental evidence demonstrating its impact on protein function have been reported. ClinVar contains an entry for this variant (Variation ID: 432202). Based on the evidence outlined above, the variant was classified as benign.

Genome-Nilou Lab
Classification: Benign for Brittle cornea syndrome 1. Last evaluated: 2021-12-05. Review status: criteria provided, single submitter. Criteria: ACMG Guidelines, 2015. Collection method: clinical testing. Allele origin: germline. Affected: no.

GeneDx
Classification: Likely benign. Last evaluated: 2021-02-19. Review status: criteria provided, single submitter. Criteria: GeneDx Variant Classification Process June 2021. Collection method: clinical testing. Allele origin: germline. Affected: yes.
Comment: This variant is associated with the following publications: (PMID: 24895405)

Ambry Genetics
Classification: Likely benign for Cardiovascular phenotype. Last evaluated: 2019-12-03. Review status: criteria provided, single submitter. Criteria: Ambry Variant Classification Scheme 2023. Collection method: clinical testing. Allele origin: germline.

Center for Genomics, Ann and Robert H. Lurie Children's Hospital of Chicago
Classification: Likely benign for Brittle cornea syndrome 1. Last evaluated: 2019-10-22. Review status: criteria provided, single submitter. Criteria: ACMG Guidelines, 2015. Collection method: clinical testing. Allele origin: germline.
Comment: ZNF469 NM_001127464.2 exon 2 p.Glu2509Asp (c.7527G>C): This variant has been reported in the literature in one individual with keratoconus (Lechner 2014 PMID:24895405). However, this variant is also present in 0.8% (145/16606) of African alleles in the Genome Aggregation Database. This variant is present in ClinVar (Variation ID:432202). This variant amino acid Aspartic acid (Asp) is present in several species including multiple mammals, and it is not well conserved among evolutionarily distant species; this suggests that this variant may not impact the protein. Additional computational prediction tools do not suggest an impact. In summary, data on this variant suggests that this variant does not cause disease, but requires further evidence. Therefore this variant is classified as likely benign.